The following is an entry in ClinVar:

NM_001289104.2(PRKCSH):c.1427C>G (p.Thr476Arg)

Gene: PRKCSH (PRKCSH beta subunit of glucosidase II; plus strand). Cytogenetic location: 19p13.2.
Variant type: single nucleotide variant.
Coding change: c.1427C>G on transcript NM_001289104.2 (MANE Select); coding-DNA position 1427, C replaced by G.
Protein change: p.Thr476Arg; replaces threonine 476 with arginine.
Molecular consequence: missense variant.
Genome position (GRCh38, 1-based): chr19:11,449,141, C>G. VCF-style: chr19-11449141-C-G. GRCh37 (hg19) VCF-style: chr19-11559956-C-G.
Other names: c.1397C>G, p.Thr466Arg (NM_001001329.3, NM_001289102.2, NM_001379609.1); c.1427C>G, p.Thr476Arg (NM_001289103.2); c.1406C>G, p.Thr469Arg (NM_001379608.1, NM_002743.3); short protein forms T469R, T466R, T476R.
Identifiers: ClinVar variation 2013024 (VCV002013024.4), dbSNP rs373102151, ClinGen allele CA404137366.
Genomic context (GRCh38, chr19:11,449,141, plus strand): 5'-GGGGCTCATGGATTGGCCCCGACCACGACAAGTTCAGTGCCATGAAGTATGAGCAAGGCA[C>G]GGGCTGCTGGCAGGGCCCCAACCGCTCCACCACCGTGAGTGCCTGCAAGGCAGGGGAGCT-3'
Protein context (NP_001276033.1, residues 466-486): KFSAMKYEQG[Thr476Arg]GCWQGPNRST

ClinVar aggregate classification (germline): Uncertain significance (1 of 4 stars; one submission).

gnomAD v4.1: 2 of 1,613,838 alleles (0.00012%); highest among the groups gnomAD compares: Non-Finnish European, 0.00017%; no homozygotes.

Submission:

Labcorp Genetics (formerly Invitae), Labcorp
Classification: Uncertain significance. Last evaluated: 2022-07-02. Review status: criteria provided, single submitter. Criteria: Invitae Variant Classification Sherloc (09022015). Collection method: clinical testing. Allele origin: germline.
Comment: In summary, the available evidence is currently insufficient to determine the role of this variant in disease. Therefore, it has been classified as a Variant of Uncertain Significance. Algorithms developed to predict the effect of missense changes on protein structure and function are either unavailable or do not agree on the potential impact of this missense change (SIFT: "Tolerated"; PolyPhen-2: "Probably Damaging"; Align-GVGD: "Class C0"). This variant has not been reported in the literature in individuals affected with PRKCSH-related conditions. This variant is present in population databases (no rsID available, gnomAD 0.0009%). This sequence change replaces threonine, which is neutral and polar, with arginine, which is basic and polar, at codon 469 of the PRKCSH protein (p.Thr469Arg).